The following is an entry in ClinVar:

NM_016169.4(SUFU):c.761G>C (p.Arg254Thr)

Gene: SUFU (SUFU negative regulator of hedgehog signaling; plus strand). Cytogenetic location: 10q24.32.
Variant type: single nucleotide variant.
Coding change: c.761G>C on transcript NM_016169.4 (MANE Select); coding-DNA position 761, G replaced by C.
Protein change: p.Arg254Thr; replaces arginine 254 with threonine.
Molecular consequence: missense variant.
Genome position (GRCh38, 1-based): chr10:102,597,144, G>C. VCF-style: chr10-102597144-G-C. GRCh37 (hg19) VCF-style: chr10-104356901-G-C.
Other names: c.761G>C, p.Arg254Thr (NM_001178133.2); short protein forms R254T.
Identifiers: ClinVar variation 1058035 (VCV001058035.9), dbSNP rs2135881076, ClinGen allele CA377910259.

ClinVar aggregate classification (germline): Uncertain significance (1 of 4 stars; one submission).

Conditions:
Gorlin syndrome. Also called: Basal cell nevus syndrome; Nevoid Basal Cell Carcinoma Syndrome. Identifiers: Orphanet 377, MedGen C0004779, MONDO:0007187.
Medulloblastoma (MDB). Also called: Medulloblastoma, somatic; MEDULLOBLASTOMA PREDISPOSITION SYNDROME. Identifiers: Orphanet 616, MedGen C0025149, MeSH D008527, MONDO:0007959, OMIM 155255, HP:0002885.

Submission:

Labcorp Genetics (formerly Invitae), Labcorp
Classification: Uncertain significance for Gorlin syndrome; Medulloblastoma. Last evaluated: 2020-09-08. Review status: criteria provided, single submitter. Criteria: Invitae Variant Classification Sherloc (09022015). Collection method: clinical testing. Allele origin: germline.
Comment: In summary, the available evidence is currently insufficient to determine the role of this variant in disease. Therefore, it has been classified as a Variant of Uncertain Significance. Algorithms developed to predict the effect of missense changes on protein structure and function are either unavailable or do not agree on the potential impact of this missense change (SIFT: "Deleterious"; PolyPhen-2: "Benign"; Align-GVGD: "Class C0"). This sequence change replaces arginine with threonine at codon 254 of the SUFU protein (p.Arg254Thr). The arginine residue is highly conserved and there is a moderate physicochemical difference between arginine and threonine. This variant has not been reported in the literature in individuals with SUFU-related conditions. This variant is not present in population databases (ExAC no frequency).